The following is an entry in ClinVar:

NM_016292.3(TRAP1):c.1070G>A (p.Arg357Gln)

Gene: TRAP1 (TNF receptor associated protein 1; minus strand). Cytogenetic location: 16p13.3.
Variant type: single nucleotide variant.
Coding change: c.1070G>A on transcript NM_016292.3 (MANE Select); coding-DNA position 1070, G replaced by A.
Protein change: p.Arg357Gln; replaces arginine 357 with glutamine.
Molecular consequence: missense variant.
Genome position (GRCh38, 1-based): chr16:3,672,795, C>T on the plus strand (G>A on the coding strand, the complement: TRAP1 is on the minus strand). VCF-style: chr16-3672795-C-T. GRCh37 (hg19) VCF-style: chr16-3722796-C-T.
Other names: c.911G>A, p.Arg304Gln (NM_001272049.2); short protein forms R357Q, R304Q.
Identifiers: ClinVar variation 2189984 (VCV002189984.4), dbSNP rs372591545, ClinGen allele CA7868302.

ClinVar aggregate classification (germline): Uncertain significance (1 of 4 stars; one submission).

Allele frequency attached by ClinVar (database versions not stated): gnomAD 0.00005; TOPMed 0.00006; ESP Exome Variant Server 0.00008.
gnomAD v4.1: 56 of 1,612,754 alleles (0.0035%); highest among the groups gnomAD compares: African/African-American, 0.013%; no homozygotes.

Submission:

Labcorp Genetics (formerly Invitae), Labcorp
Classification: Uncertain significance. Last evaluated: 2022-08-23. Review status: criteria provided, single submitter. Criteria: Invitae Variant Classification Sherloc (09022015). Collection method: clinical testing. Allele origin: germline.
Comment: This variant has not been reported in the literature in individuals affected with TRAP1-related conditions. This variant is present in population databases (rs372591545, gnomAD 0.009%). This sequence change replaces arginine, which is basic and polar, with glutamine, which is neutral and polar, at codon 357 of the TRAP1 protein (p.Arg357Gln). Algorithms developed to predict the effect of missense changes on protein structure and function (SIFT, PolyPhen-2, Align-GVGD) all suggest that this variant is likely to be tolerated. In summary, the available evidence is currently insufficient to determine the role of this variant in disease. Therefore, it has been classified as a Variant of Uncertain Significance.